The following is an entry in ClinVar:

NM_000301.5(PLG):c.1682-3C>T

Gene: PLG (plasminogen; plus strand). Cytogenetic location: 6q26.
Variant type: single nucleotide variant.
Coding change: c.1682-3C>T on transcript NM_000301.5 (MANE Select); 3 bases into the intron before coding-DNA position 1682, C replaced by T.
Molecular consequence: intron variant.
Genome position (GRCh38, 1-based): chr6:160,736,884, C>T. VCF-style: chr6-160736884-C-T. GRCh37 (hg19) VCF-style: chr6-161157916-C-T.
Identifiers: ClinVar variation 4695478 (VCV004695478.1).

ClinVar aggregate classification (germline): Uncertain significance (1 of 4 stars; one submission).

gnomAD v4.1: 5 of 1,613,874 alleles (0.00031%); highest among the groups gnomAD compares: African/African-American, 0.004%; no homozygotes.

Submission:

Labcorp Genetics (formerly Invitae), Labcorp
Classification: Uncertain significance. Last evaluated: 2025-06-24. Review status: criteria provided, single submitter. Criteria: Invitae Variant Classification Sherloc (09022015). Collection method: clinical testing. Allele origin: germline.
Comment: This sequence change falls in intron 13 of the PLG gene. It does not directly change the encoded amino acid sequence of the PLG protein. It affects a nucleotide within the consensus splice site. This variant is not present in population databases (gnomAD no frequency). This variant has not been reported in the literature in individuals affected with PLG-related conditions. Variants that disrupt the consensus splice site are a relatively common cause of aberrant splicing (PMID: 17576681, 9536098). Algorithms developed to predict the effect of sequence changes on RNA splicing suggest that this variant is not likely to affect RNA splicing. In summary, the available evidence is currently insufficient to determine the role of this variant in disease. Therefore, it has been classified as a Variant of Uncertain Significance.

Literature cited by the submitters: PubMed 17576681; PubMed 9536098.